The following is an entry in ClinVar:

ClinVar aggregate classification (germline): Uncertain significance (1 of 4 stars; one submission).

Allele frequency attached by ClinVar (database versions not stated): gnomAD exomes below 0.00001; TOPMed below 0.00001.
gnomAD v4.1: 4 of 1,609,710 alleles (0.00025%); highest among the groups gnomAD compares: African/African-American, 0.004%; no homozygotes.

Submission:

Labcorp Genetics (formerly Invitae), Labcorp
Classification: Uncertain significance. Last evaluated: 2022-07-26. Review status: criteria provided, single submitter. Criteria: Invitae Variant Classification Sherloc (09022015). Collection method: clinical testing. Allele origin: germline.
Comment: This sequence change replaces valine, which is neutral and non-polar, with isoleucine, which is neutral and non-polar, at codon 142 of the IFNAR2 protein (p.Val142Ile). This variant is not present in population databases (gnomAD no frequency). This variant has not been reported in the literature in individuals affected with IFNAR2-related conditions. ClinVar contains an entry for this variant (Variation ID: 1365260). Algorithms developed to predict the effect of missense changes on protein structure and function output the following: SIFT: "Tolerated"; PolyPhen-2: "Probably Damaging"; Align-GVGD: "Class C0". The isoleucine amino acid residue is found in multiple mammalian species, which suggests that this missense change does not adversely affect protein function. In summary, the available evidence is currently insufficient to determine the role of this variant in disease. Therefore, it has been classified as a Variant of Uncertain Significance.

NM_001289125.3(IFNAR2):c.424G>A (p.Val142Ile)

Genes: IFNAR2 (interferon alpha and beta receptor subunit 2; plus strand), IFNAR2-IL10RB (IFNAR2-IL10RB readthrough; plus strand). Cytogenetic location: 21q22.11.
Variant type: single nucleotide variant.
Coding change: c.424G>A on transcript NM_001289125.3 (MANE Select); coding-DNA position 424, G replaced by A.
Protein change: p.Val142Ile; replaces valine 142 with isoleucine.
Molecular consequence: missense variant.
Genome position (GRCh38, 1-based): chr21:33,248,738, G>A. VCF-style: chr21-33248738-G-A. GRCh37 (hg19) VCF-style: chr21-34621043-G-A.
Other names: c.424G>A, p.Val142Ile (NM_000874.5, NM_001289126.2, NM_001289128.2 and 4 more transcripts); short protein forms V142I.
Identifiers: ClinVar variation 1365260 (VCV001365260.5), dbSNP rs1987628623, ClinGen allele CA410099108.
Genomic context (GRCh38, chr21:33,248,738, plus strand): 5'-ATATTCCTGTCTGTTTTTGTTTTTTGCACAGTGTCTTTTGAACCACCAGAGTTTGAGATT[G>A]TTGGTTTTACCAACCACATTAATGTGATGGTGAAATTTCCATCTATTGTTGAGGAAGAAT-3'
Protein context (NP_001276054.1, residues 132-152): MSFEPPEFEI[Val142Ile]GFTNHINVMV